The following is an entry in ClinVar:

ClinVar aggregate classification (germline): Conflicting classifications of pathogenicity. Review status: criteria provided, conflicting classifications (1 of 4 stars). 2 submissions from 2 submitters: Likely pathogenic (1); Uncertain significance (1). Last evaluated 2024-05-21.

Conditions:
Hypophosphatasia. Also called: Phosphoethanol-aminuria. Identifiers: Orphanet 436, MedGen C0020630, MeSH D007014, MONDO:0018570.

Submissions (2):

Women's Health and Genetics/Laboratory Corporation of America, LabCorp
Classification: Uncertain significance. Last evaluated: 2024-05-21. Review status: criteria provided, single submitter. Criteria: LabCorp Variant Classification Summary - May 2015. Collection method: clinical testing. Allele origin: germline.
Comment: Variant summary: ALPL c.1144G>C (p.Val382Leu) results in a conservative amino acid change in the encoded protein sequence. Three of five in-silico tools predict a damaging effect of the variant on protein function. The variant was absent in 251488 control chromosomes (gnomAD). To our knowledge, no occurrence of c.1144G>C in individuals affected with Hypophosphatasia and no experimental evidence demonstrating its impact on protein function have been reported. ClinVar contains an entry for this variant (Variation ID: 2775415). Based on the evidence outlined above, the variant was classified as uncertain significance.

MVZ Dr. Eberhard & Partner Dortmund
Classification: Likely pathogenic for Hypophosphatasia. Last evaluated: 2023-09-19. Review status: criteria provided, single submitter. Criteria: ACMG Guidelines, 2015. Collection method: clinical testing. Allele origin: unknown. Observed: 1 heterozygote.
Comment: This variant was not found in control groups of different ethnicities and has not been mentioned in the literature so far. Computer-based analyses consistently show that p.(Val382Leu) influences the function of the protein and could be pathogenetically significant. Contrary to the nucleotide (moderately conserved), the affected amino acid is highly conserved. The pathogenic missense variant for p.(Val382Ile) has been described at the same codon and is thought to be pathogenic due to a dominant negative effect (functional study showed no residual activity for p.(Val382Ile) (PMID: 12412800)). The region surrounding the affected nucleotide position also shows several pathogenic or likely pathogenic missense/in frame variants but no benign variants.

NM_000478.6(ALPL):c.1144G>C (p.Val382Leu)

Gene: ALPL (alkaline phosphatase, biomineralization associated; plus strand). Cytogenetic location: 1p36.12.
Variant type: single nucleotide variant.
Coding change: c.1144G>C on transcript NM_000478.6 (MANE Select); coding-DNA position 1144, G replaced by C.
Protein change: p.Val382Leu; replaces valine 382 with leucine.
Molecular consequence: missense variant.
Genome position (GRCh38, 1-based): chr1:21,575,879, G>C. VCF-style: chr1-21575879-G-C. GRCh37 (hg19) VCF-style: chr1-21902372-G-C.
Other names: c.979G>C, p.Val327Leu (NM_001127501.4); c.913G>C, p.Val305Leu (NM_001177520.3); c.1144G>C, p.Val382Leu (NM_001369803.2, NM_001369804.2, NM_001369805.2); short protein forms V382L, V305L, V327L.
Identifiers: ClinVar variation 2775415 (VCV002775415.3), dbSNP rs771540767, ClinGen allele CA338881384.